The following is an entry in ClinVar:

NM_003238.6(TGFB2):c.876G>A (p.Glu292=)

Gene: TGFB2 (transforming growth factor beta 2; plus strand). Cytogenetic location: 1q41.
Variant type: single nucleotide variant.
Coding change: c.876G>A on transcript NM_003238.6 (MANE Select); coding-DNA position 876, G replaced by A.
Protein change: p.Glu292=; no amino-acid change (glutamic acid 292 retained).
Molecular consequence: synonymous variant. On other transcripts: non-coding transcript variant (2).
Genome position (GRCh38, 1-based): chr1:218,436,091, G>A. VCF-style: chr1-218436091-G-A. GRCh37 (hg19) VCF-style: chr1-218609433-G-A.
Other names: c.876G>A (NM_003238.3); c.960G>A, p.Glu320= (NM_001135599.4).
Identifiers: ClinVar variation 1160365 (VCV001160365.12), dbSNP rs2102628622, ClinGen allele CA423173220.
Genomic context (GRCh38, chr1:218,436,091, plus strand): 5'-AAAAAACAGTGGGAAGACCCCACATCTCCTGCTAATGTTATTGCCCTCCTACAGACTTGA[G>A]TCACAACAGACCAACCGGCGGAAGAAGCGTGCTTTGGATGCGGCCTATTGCTTTAGGTAA-3'
Protein context (NP_003229.1, residues 282-302): LLMLLPSYRL[Glu292=]SQQTNRRKKR

ClinVar aggregate classification (germline): Conflicting classifications of pathogenicity. Review status: criteria provided, conflicting classifications (1 of 4 stars). 2 submissions from 2 submitters: Uncertain significance (1); Likely benign (1). Last evaluated 2025-02-13.

Conditions:
Loeys-Dietz syndrome 4 (LDS4). Also called: ANEURYSM, AORTIC AND CEREBRAL, WITH ARTERIAL TORTUOSITY AND SKELETAL MANIFESTATIONS; TGFB2-Related Loeys-Dietz Syndrome. Identifiers: MedGen C3553762, MONDO:0013897, OMIM 614816.

Submissions (2):

Labcorp Genetics (formerly Invitae), Labcorp
Classification: Likely benign for Loeys-Dietz syndrome 4. Last evaluated: 2025-02-13. Review status: criteria provided, single submitter. Criteria: Invitae Variant Classification Sherloc (09022015). Collection method: clinical testing. Allele origin: germline.

GeneDx
Classification: Uncertain significance. Last evaluated: 2023-10-23. Review status: criteria provided, single submitter. Criteria: GeneDx Variant Classification Process June 2021. Collection method: clinical testing. Allele origin: germline. Affected: yes.
Comment: Not observed at significant frequency in large population cohorts (gnomAD); In silico analysis supports that this variant does not alter splicing; Has not been previously published as pathogenic or benign to our knowledge